The following is an entry in ClinVar:

NM_001329943.3(KIAA0586):c.4286A>G (p.Asp1429Gly)

Gene: KIAA0586 (KIAA0586; plus strand). Cytogenetic location: 14q23.1.
Variant type: single nucleotide variant.
Coding change: c.4286A>G on transcript NM_001329943.3 (MANE Select); coding-DNA position 4286, A replaced by G.
Protein change: p.Asp1429Gly; replaces aspartic acid 1429 with glycine.
Molecular consequence: missense variant.
Genome position (GRCh38, 1-based): chr14:58,508,672, A>G. VCF-style: chr14-58508672-A-G. GRCh37 (hg19) VCF-style: chr14-58975390-A-G.
Other names: c.4058A>G (NM_014749.3); c.4445A>G (NM_001244189.1); c.4445A>G, p.Asp1482Gly (NM_001244189.2); c.4241A>G, p.Asp1414Gly (NM_001244190.2); c.4031A>G, p.Asp1344Gly (NM_001244191.2, NM_001329945.2, NM_001364700.1 and 1 more transcripts); c.4154A>G, p.Asp1385Gly (NM_001244192.2, NM_001329947.2); c.3866A>G, p.Asp1289Gly (NM_001244193.2); c.4286A>G, p.Asp1429Gly (NM_001329944.2, NM_001329946.2); and 1 more; short protein forms D1429G, D1353G, D1482G, D1344G, D1414G, D1289G, D1385G.
Identifiers: ClinVar variation 1492745 (VCV001492745.11), dbSNP rs548063080, ClinGen allele CA7206359.

ClinVar aggregate classification (germline): Uncertain significance. Review status: criteria provided, multiple submitters, no conflicts (2 of 4 stars). 4 submissions from 4 submitters: Uncertain significance (4). Last evaluated 2026-05-18.

Conditions:
KIAA0586-related disorder. Also called: KIAA0586- Related disorders; KIAA0586-related condition.
Joubert syndrome 23 (JBTS23). Identifiers: Orphanet 475, MedGen C4084822, MONDO:0014664, OMIM 616490.
Short-rib thoracic dysplasia 14 with polydactyly (SRTD14). Identifiers: Orphanet 397715, MedGen C4225286, MONDO:0014688, OMIM 616546.
Inborn genetic diseases. Identifiers: MedGen C0950123, MeSH D030342.

Allele frequency attached by ClinVar (database versions not stated): gnomAD exomes below 0.00001 and 0.00001; gnomAD 0.00003; ExAC 0.00004; 1000 Genomes Project 0.00020; 1000 Genomes Project 30x 0.00031.
gnomAD v4.1: 17 of 1,593,268 alleles (0.0011%); highest among the groups gnomAD compares: South Asian, 0.013%; no homozygotes.

Submissions (4):

GeneDx
Classification: Uncertain significance. Last evaluated: 2026-05-18. Review status: criteria provided, single submitter. Criteria: GeneDx Variant Classification Process June 2021. Collection method: clinical testing. Allele origin: germline.
Comment: Not observed at significant frequency in large population cohorts (gnomAD); In silico analysis supports that this missense variant has a deleterious effect on protein structure/function; Has not been previously published as pathogenic or benign to our knowledge

Ambry Genetics
Classification: Uncertain significance for Inborn genetic diseases. Last evaluated: 2025-10-24. Review status: criteria provided, single submitter. Criteria: Ambry Variant Classification Scheme 2023. Collection method: clinical testing. Allele origin: germline.

Labcorp Genetics (formerly Invitae), Labcorp
Classification: Uncertain significance for Joubert syndrome 23; Short-rib thoracic dysplasia 14 with polydactyly. Last evaluated: 2025-01-16. Review status: criteria provided, single submitter. Criteria: Invitae Variant Classification Sherloc (09022015). Collection method: clinical testing. Allele origin: germline.
Comment: This sequence change replaces aspartic acid, which is acidic and polar, with glycine, which is neutral and non-polar, at codon 1482 of the KIAA0586 protein (p.Asp1482Gly). The frequency data for this variant in the population databases is considered unreliable, as metrics indicate poor data quality at this position in the gnomAD database. This variant has not been reported in the literature in individuals affected with KIAA0586-related conditions. ClinVar contains an entry for this variant (Variation ID: 1492745). Invitae Evidence Modeling of protein sequence and biophysical properties (such as structural, functional, and spatial information, amino acid conservation, physicochemical variation, residue mobility, and thermodynamic stability) indicates that this missense variant is not expected to disrupt KIAA0586 protein function with a negative predictive value of 80%. In summary, the available evidence is currently insufficient to determine the role of this variant in disease. Therefore, it has been classified as a Variant of Uncertain Significance.

PreventionGenetics, part of Exact Sciences
Classification: Uncertain significance for KIAA0586-related condition. Last evaluated: 2023-08-14. Review status: criteria provided, single submitter. Criteria: ACMG Guidelines, 2015. Collection method: clinical testing. Allele origin: germline.
Comment: The KIAA0586 c.4445A>G variant is predicted to result in the amino acid substitution p.Asp1482Gly. To our knowledge, this variant has not been reported in the literature. This variant is reported in 0.0063% of alleles in individuals of East Asian descent in gnomAD. Both the gnomAD data and PreventionGenetics' internal allele frequencies indicate that this variant is likely in cis with two other variants to form the complex allele p.[Ser60Phe;Thr135Ser;Asp1482Gly]. At this time, the clinical significance of this variant is uncertain, both independently and as part of the complex allele.